The following is an entry in ClinVar:

ClinVar aggregate classification (germline): Pathogenic (1 of 4 stars; one submission).

Submission:

Labcorp Genetics (formerly Invitae), Labcorp
Classification: Pathogenic. Last evaluated: 2023-06-29. Review status: criteria provided, single submitter. Criteria: Invitae Variant Classification Sherloc (09022015). Collection method: clinical testing. Allele origin: germline.
Comment: For these reasons, this variant has been classified as Pathogenic. This sequence change creates a premature translational stop signal (p.Glu179Lysfs*4) in the CHM gene. It is expected to result in an absent or disrupted protein product. Loss-of-function variants in CHM are known to be pathogenic (PMID: 9067750, 23811034). This variant is not present in population databases (gnomAD no frequency). This variant has not been reported in the literature in individuals affected with CHM-related conditions.

Literature cited by the submitters: PubMed 9067750; PubMed 23811034.

NM_000390.4(CHM):c.535_536del (p.Glu179fs)

Gene: CHM (CHM Rab escort protein; minus strand). Cytogenetic location: Xq21.2.
Variant type: Deletion.
Coding change: c.535_536del on transcript NM_000390.4 (MANE Select); coding-DNA positions 535 to 536, 2 bases deleted (GA; older notation c.535_536delGA).
Protein change: p.Glu179fs; shifts the reading frame from glutamic acid 179.
Molecular consequence: frameshift variant.
Genome position (GRCh38, 1-based): chrX:85,963,831-85,963,832, TC deleted on the plus strand (GA on the coding strand, the reverse complement: CHM is on the minus strand); deleting any 2 consecutive bases within chrX:85,963,831-85,963,833 gives the same sequence; the c. name uses the placement nearest the transcript's 3' end. VCF-style (leftmost placement, unchanged base first): chrX-85963830-TTC-T. GRCh37 (hg19) VCF-style: chrX-85218835-TTC-T.
Other names: c.91_92del, p.Glu31fs (NM_001320959.1, NM_001362517.1, NM_001362518.2 and 1 more transcripts); short protein forms E179fs, E31fs.
Identifiers: ClinVar variation 2733026 (VCV002733026.3), dbSNP rs2520272693, ClinGen allele CA2697553227.